The following is an entry in ClinVar:

NM_000235.4(LIPA):c.749A>G (p.His250Arg)

Gene: LIPA (lipase A, lysosomal acid type; minus strand). Cytogenetic location: 10q23.31.
Variant type: single nucleotide variant.
Coding change: c.749A>G on transcript NM_000235.4 (MANE Select); coding-DNA position 749, A replaced by G.
Protein change: p.His250Arg; replaces histidine 250 with arginine.
Molecular consequence: missense variant.
Genome position (GRCh38, 1-based): chr10:89,223,757, T>C on the plus strand (A>G on the coding strand, the complement: LIPA is on the minus strand). VCF-style: chr10-89223757-T-C. GRCh37 (hg19) VCF-style: chr10-90983514-T-C.
Other names: c.749A>G, p.His250Arg (NM_001127605.3); c.401A>G, p.His134Arg (NM_001288979.2); short protein forms H134R, H250R.
Identifiers: ClinVar variation 1759183 (VCV001759183.4), dbSNP rs747792993, ClinGen allele CA377516973.

ClinVar aggregate classification (germline): Uncertain significance. Review status: criteria provided, multiple submitters, no conflicts (2 of 4 stars). 2 submissions from 2 submitters: Uncertain significance (2). Last evaluated 2022-05-06.

Conditions:
Cardiovascular phenotype. Identifiers: MedGen CN230736.
Wolman disease (WOLD). Also called: Acid cholesteryl ester hydrolase deficiency, Wolman type; Acid lipase disease; LYSOSOMAL ACID LIPASE DEFICIENCY, ACUTE INFANTILE; LYSOSOMAL ACID LIPASE DEFICIENCY, COMPLETE; LIPA DEFICIENCY, COMPLETE; LAL DEFICIENCY, COMPLETE. Identifiers: Orphanet 75233, MedGen C0043208, MONDO:0019148, OMIM 620151.

gnomAD v4.1: 7 of 1,613,698 alleles (0.00043%); highest among the groups gnomAD compares: Admixed American, 0.012%; no homozygotes.

Submissions (2):

Labcorp Genetics (formerly Invitae), Labcorp
Classification: Uncertain significance for Wolman disease. Last evaluated: 2022-05-06. Review status: criteria provided, single submitter. Criteria: Invitae Variant Classification Sherloc (09022015). Collection method: clinical testing. Allele origin: germline.
Comment: This sequence change replaces histidine, which is basic and polar, with arginine, which is basic and polar, at codon 250 of the LIPA protein (p.His250Arg). This variant is present in population databases (no rsID available, gnomAD 0.02%). This variant has not been reported in the literature in individuals affected with LIPA-related conditions. Algorithms developed to predict the effect of missense changes on protein structure and function output the following: SIFT: "Tolerated"; PolyPhen-2: "Benign"; Align-GVGD: "Class C0". The arginine amino acid residue is found in multiple mammalian species, which suggests that this missense change does not adversely affect protein function. In summary, the available evidence is currently insufficient to determine the role of this variant in disease. Therefore, it has been classified as a Variant of Uncertain Significance.

Ambry Genetics
Classification: Uncertain significance for Cardiovascular phenotype. Last evaluated: 2022-04-03. Review status: criteria provided, single submitter. Criteria: Ambry Variant Classification Scheme 2023. Collection method: clinical testing. Allele origin: germline.
Comment: The p.H250R variant (also known as c.749A>G), located in coding exon 6 of the LIPA gene, results from an A to G substitution at nucleotide position 749. The histidine at codon 250 is replaced by arginine, an amino acid with highly similar properties. This amino acid position is conserved. In addition, this alteration is predicted to be tolerated by in silico analysis. Since supporting evidence is limited at this time, the clinical significance of this alteration remains unclear.